The following is an entry in ClinVar:

NM_016532.4(INPP5K):c.1142G>C (p.Trp381Ser)

Gene: INPP5K (inositol polyphosphate-5-phosphatase K; minus strand). Cytogenetic location: 17p13.3.
Variant type: single nucleotide variant.
Coding change: c.1142G>C on transcript NM_016532.4 (MANE Select); coding-DNA position 1142, G replaced by C.
Protein change: p.Trp381Ser; replaces tryptophan 381 with serine.
Molecular consequence: missense variant.
Genome position (GRCh38, 1-based): chr17:1,496,362, C>G on the plus strand (G>C on the coding strand, the complement: INPP5K is on the minus strand). VCF-style: chr17-1496362-C-G. GRCh37 (hg19) VCF-style: chr17-1399656-C-G.
Other names: c.914G>C, p.Trp305Ser (NM_001135642.2, NM_130766.3); short protein forms W305S, W381S.
Identifiers: ClinVar variation 1305951 (VCV001305951.10), dbSNP rs767344347, ClinGen allele CA8268346.

ClinVar aggregate classification (germline): Uncertain significance. Review status: criteria provided, multiple submitters, no conflicts (2 of 4 stars). 3 submissions from 3 submitters: Uncertain significance (3). Last evaluated 2026-05-01.

Allele frequency attached by ClinVar (database versions not stated): gnomAD 0.00001; TOPMed 0.00002; ExAC 0.00004.

Submissions (3):

CeGaT Center for Human Genetics Tuebingen
Classification: Uncertain significance. Last evaluated: 2026-05-01. Review status: criteria provided, single submitter. Criteria: CeGaT Center For Human Genetics Tuebingen Variant Classification Criteria Version 2. Collection method: clinical testing. Allele origin: germline. Affected: yes. Observed: 1 variant allele.
Comment: INPP5K: PM2, PP3

Blueprint Genetics
Classification: Uncertain significance. Last evaluated: 2021-11-12. Review status: criteria provided, single submitter. Criteria: ACMG Guidelines, 2015. Collection method: clinical testing. Allele origin: germline.

GeneDx
Classification: Uncertain significance. Last evaluated: 2019-05-29. Review status: criteria provided, single submitter. Criteria: GeneDx Variant Classification Process June 2021. Collection method: clinical testing. Allele origin: germline. Affected: yes.
Comment: In silico analysis, which includes protein predictors and evolutionary conservation, supports a deleterious effect; Has not been previously published as pathogenic or benign to our knowledge.